The following is an entry in ClinVar:

NM_019066.5(MAGEL2):c.826G>T (p.Ala276Ser)

Gene: MAGEL2 (MAGE family member L2; minus strand). Cytogenetic location: 15q11.2.
Variant type: single nucleotide variant.
Coding change: c.826G>T on transcript NM_019066.5 (MANE Select); coding-DNA position 826, G replaced by T.
Protein change: p.Ala276Ser; replaces alanine 276 with serine.
Molecular consequence: missense variant.
Genome position (GRCh38, 1-based): chr15:23,646,917, C>A on the plus strand (G>T on the coding strand, the complement: MAGEL2 is on the minus strand). VCF-style: chr15-23646917-C-A. GRCh37 (hg19) VCF-style: chr15-23892064-C-A.
Other names: short protein forms A276S.
Identifiers: ClinVar variation 3905564 (VCV003905564.10).

ClinVar aggregate classification (germline): Uncertain significance (1 of 4 stars; one submission).

gnomAD v4.1: 1 of 1,536,792 alleles (0.000065%); highest among the groups gnomAD compares: Non-Finnish European, 0.000087%; no homozygotes.

Submission:

CeGaT Center for Human Genetics Tuebingen
Classification: Uncertain significance. Last evaluated: 2025-06-01. Review status: criteria provided, single submitter. Criteria: CeGaT Center For Human Genetics Tuebingen Variant Classification Criteria Version 2. Collection method: clinical testing. Allele origin: germline. Affected: yes. Observed: 1 variant allele.
Comment: MAGEL2: PM2, BP4